The following is an entry in ClinVar:

ClinVar aggregate classification (germline): Uncertain significance. Review status: criteria provided, multiple submitters, no conflicts (2 of 4 stars). 2 submissions from 2 submitters: Uncertain significance (2). Last evaluated 2024-10-11.

Allele frequency attached by ClinVar (database versions not stated): TOPMed below 0.00001; gnomAD 0.00001; gnomAD exomes 0.00001.
gnomAD v4.1: 8 of 1,613,814 alleles (0.0005%); highest among the groups gnomAD compares: Non-Finnish European, 0.00068%; no homozygotes.

Submissions (2):

Ambry Genetics
Classification: Uncertain significance. Last evaluated: 2024-10-11. Review status: criteria provided, single submitter. Criteria: Ambry Variant Classification Scheme 2023. Collection method: clinical testing. Allele origin: germline.

Labcorp Genetics (formerly Invitae), Labcorp
Classification: Uncertain significance. Last evaluated: 2024-07-15. Review status: criteria provided, single submitter. Criteria: Invitae Variant Classification Sherloc (09022015). Collection method: clinical testing. Allele origin: germline.
Comment: This sequence change replaces arginine, which is basic and polar, with histidine, which is basic and polar, at codon 300 of the IL6ST protein (p.Arg300His). This variant is present in population databases (no rsID available, gnomAD 0.007%). This variant has not been reported in the literature in individuals affected with IL6ST-related conditions. An algorithm developed to predict the effect of missense changes on protein structure and function (PolyPhen-2) suggests that this variant is likely to be disruptive. In summary, the available evidence is currently insufficient to determine the role of this variant in disease. Therefore, it has been classified as a Variant of Uncertain Significance.

NM_002184.4(IL6ST):c.899G>A (p.Arg300His)

Gene: IL6ST (interleukin 6 cytokine family signal transducer; minus strand). Cytogenetic location: 5q11.2.
Variant type: single nucleotide variant.
Coding change: c.899G>A on transcript NM_002184.4 (MANE Select); coding-DNA position 899, G replaced by A.
Protein change: p.Arg300His; replaces arginine 300 with histidine.
Molecular consequence: missense variant. On other transcripts: 5 prime UTR variant (3), non-coding transcript variant (2).
Genome position (GRCh38, 1-based): chr5:55,960,476, C>T on the plus strand (G>A on the coding strand, the complement: IL6ST is on the minus strand). VCF-style: chr5-55960476-C-T. GRCh37 (hg19) VCF-style: chr5-55256304-C-T.
Other names: c.899G>A (NM_002184.3); c.899G>A, p.Arg300His (NM_001190981.2, NM_001364275.2, NM_175767.3); c.689G>A, p.Arg230His (NM_001364276.2); c.-15G>A (NM_001364277.2, NM_001364279.2); c.-5G>A (NM_001364278.2); short protein forms R300H, R230H.
Identifiers: ClinVar variation 2966873 (VCV002966873.4), dbSNP rs1046072990, ClinGen allele CA119049905.